The following is an entry in ClinVar:

NM_001303052.2(MYT1L):c.2123dup (p.Ser709fs)

Gene: MYT1L (myelin transcription factor 1 like; minus strand). Cytogenetic location: 2p25.3.
Variant type: Duplication.
Coding change: c.2123dup on transcript NM_001303052.2 (MANE Select); coding-DNA position 2123, one base duplicated (G; older notation c.2123dupG).
Protein change: p.Ser709fs; shifts the reading frame from serine 709.
Molecular consequence: frameshift variant.
Genome position (GRCh38, 1-based): chr2:1,892,197, C duplicated on the plus strand (G on the coding strand, the reverse complement: MYT1L is on the minus strand); the first of 5 consecutive C bases (chr2:1,892,197-1,892,201); duplicating any one gives the same sequence. VCF-style (leftmost placement, unchanged base first): chr2-1892196-G-GC. GRCh37 (hg19) VCF-style: chr2-1895968-G-GC.
Other names: c.2123dup, p.Ser709fs (NM_001329844.2, NM_001329845.1, NM_001329851.3); c.2117dup, p.Ser707fs (NM_001329846.3, NM_001329847.2, NM_001329848.1 and 3 more transcripts); short protein forms S707fs, S709fs.
Identifiers: ClinVar variation 280803 (VCV000280803.5), dbSNP rs886041944, ClinGen allele CA10602830.

ClinVar aggregate classification (germline): Pathogenic/Likely pathogenic. Review status: criteria provided, multiple submitters, no conflicts (2 of 4 stars). 2 submissions from 2 submitters: Pathogenic (1); Likely pathogenic (1). Last evaluated 2021-04-15.

Conditions:
MYT1L-related disorder. Also called: MYT1L-related condition.
Intellectual developmental disorder, autosomal dominant 39. Also called: Mental retardation, autosomal dominant 39; Intellectual disability, autosomal dominant 39. Identifiers: MedGen C4225296, MONDO:0014678, OMIM 616521.

Submissions (2):

Blueprint Genetics
Classification: Likely pathogenic for MYT1L-related disorders. Last evaluated: 2021-04-15. Review status: criteria provided, single submitter. Criteria: ACMG Guidelines, 2015. Collection method: clinical testing. Allele origin: germline. Affected: yes. Observed: 1 variant allele.

GeneDx
Classification: Pathogenic. Last evaluated: 2016-08-17. Review status: criteria provided, single submitter. Criteria: GeneDx Variant Classification (06012015). Collection method: clinical testing. Allele origin: germline. Affected: yes.
Comment: The c.2117dupG variant in the MYT1L gene has not been reported previously as a pathogenic variant nor as a benign variant, to our knowledge. The c.2117dupG variant causes a frameshift starting with codon Serine 707, changes this amino acid to a Glutamine residue, and creates a premature Stop codon at position 56 of the new reading frame, denoted p.Ser707GlnfsX56. This variant is predicted to cause loss of normal protein function either through protein truncation or nonsense-mediated mRNA decay. The c.2117dupG variant was not observed in approximately 4800 individuals of European and African American ancestry in the NHLBI Exome Sequencing Project, indicating it is not a common benign variant in these populations. We interpret c.2117dupG as a pathogenic variant.